The following is an entry in ClinVar:

ClinVar aggregate classification (germline): Benign/Likely benign. Review status: criteria provided, multiple submitters, no conflicts (2 of 4 stars). 3 submissions from 3 submitters: Benign (1); Likely benign (2). Last evaluated 2025-08-03.

Conditions:
Hereditary cancer-predisposing syndrome. Also called: Neoplastic Syndromes, Hereditary; Hereditary neoplastic syndrome; Tumor predisposition; Hereditary Cancer Syndrome. Identifiers: Orphanet 140162, MedGen C0027672, MeSH D009386, MONDO:0015356.
Hereditary diffuse gastric adenocarcinoma (HDGC). Also called: DIFFUSE GASTRIC AND LOBULAR BREAST CANCER SYNDROME. Identifiers: Orphanet 26106, MedGen C1708349, MONDO:0007648, OMIM 137215.

Allele frequency attached by ClinVar (database versions not stated): TOPMed below 0.00001.

Submissions (3):

Labcorp Genetics (formerly Invitae), Labcorp
Classification: Likely benign. Last evaluated: 2025-08-03. Review status: criteria provided, single submitter. Criteria: Invitae Variant Classification Sherloc (09022015). Collection method: clinical testing. Allele origin: germline.

Myriad Genetics, Inc.
Classification: Benign for Hereditary diffuse gastric adenocarcinoma. Last evaluated: 2024-10-10. Review status: criteria provided, single submitter. Criteria: Myriad Autosomal Dominant, Autosomal Recessive and X-Linked Classification Criteria (2023). Collection method: clinical testing. Allele origin: unknown.
Comment: This variant is considered benign. This variant is a silent/synonymous amino acid change and it is not expected to impact splicing.

Ambry Genetics
Classification: Likely benign for Hereditary cancer-predisposing syndrome. Last evaluated: 2020-03-16. Review status: criteria provided, single submitter. Criteria: Ambry Variant Classification Scheme 2023. Collection method: clinical testing. Allele origin: germline.

NM_001903.5(CTNNA1):c.648G>A (p.Lys216=)

Gene: CTNNA1 (catenin alpha 1; plus strand). Cytogenetic location: 5q31.2.
Variant type: single nucleotide variant.
Coding change: c.648G>A on transcript NM_001903.5 (MANE Select); coding-DNA position 648, G replaced by A.
Protein change: p.Lys216=; no amino-acid change (lysine 216 retained).
Molecular consequence: synonymous variant.
Genome position (GRCh38, 1-based): chr5:138,824,589, G>A. VCF-style: chr5-138824589-G-A. GRCh37 (hg19) VCF-style: chr5-138160278-G-A.
Other names: c.648G>A, p.Lys216= (NM_001290307.3, NM_001323982.2, NM_001323983.1 and 3 more transcripts); c.339G>A, p.Lys113= (NM_001290309.3); c.279G>A, p.Lys93= (NM_001290310.3).
Identifiers: ClinVar variation 792773 (VCV000792773.14), dbSNP rs1581167431, ClinGen allele CA446594415.
Genomic context (GRCh38, chr5:138,824,589, plus strand): 5'-GGAATTGAAAGATGTTGGCCATCGTGATCAGATGGCTGCAGCTAGAGGAATCCTGCAGAA[G>A]AACGTTCCGATCCTCTATACTGCATCCCAGGCATGCCTACAGCACCCTGATGTCGCAGCC-3'
Protein context (NP_001894.2, residues 206-226): QMAAARGILQ[Lys216=]NVPILYTASQ